The following is an entry in ClinVar:

NM_001277115.2(DNAH11):c.10867A>G (p.Ile3623Val)

Gene: DNAH11 (dynein axonemal heavy chain 11; plus strand). Cytogenetic location: 7p15.3.
Variant type: single nucleotide variant.
Coding change: c.10867A>G on transcript NM_001277115.2 (MANE Select); coding-DNA position 10867, A replaced by G.
Protein change: p.Ile3623Val; replaces isoleucine 3623 with valine.
Molecular consequence: missense variant.
Genome position (GRCh38, 1-based): chr7:21,842,719, A>G. VCF-style: chr7-21842719-A-G. GRCh37 (hg19) VCF-style: chr7-21882337-A-G.
Other names: p.Ile3623Val; short protein forms I3623V.
Identifiers: ClinVar variation 1541391 (VCV001541391.11), dbSNP rs370443558, ClinGen allele CA4182506.

ClinVar aggregate classification (germline): Conflicting classifications of pathogenicity. Review status: criteria provided, conflicting classifications (1 of 4 stars). 3 submissions from 3 submitters: Uncertain significance (2); Likely benign (1). Last evaluated 2026-01-17.

Conditions:
Primary ciliary dyskinesia. Also called: Ciliary dyskinesia. Identifiers: Orphanet 244, MedGen C0008780, MONDO:0016575, HP:0012265.

Allele frequency attached by ClinVar (database versions not stated): gnomAD exomes 0.00021 and 0.00011; 1000 Genomes Project 30x 0.00031; gnomAD 0.00008; TOPMed 0.00011; ExAC 0.00015; ESP Exome Variant Server 0.00017; 1000 Genomes Project 0.00020.
gnomAD v4.1: 314 of 1,612,370 alleles (0.019%); highest among the groups gnomAD compares: Non-Finnish European, 0.025%; no homozygotes.

Submissions (3):

Labcorp Genetics (formerly Invitae), Labcorp
Classification: Likely benign for Primary ciliary dyskinesia. Last evaluated: 2026-01-17. Review status: criteria provided, single submitter. Criteria: Invitae Variant Classification Sherloc (09022015). Collection method: clinical testing. Allele origin: germline.

Mayo Clinic Laboratories, Mayo Clinic
Classification: Uncertain significance. Last evaluated: 2023-02-23. Review status: criteria provided, single submitter. Criteria: ACMG Guidelines, 2015. Collection method: clinical testing. Allele origin: germline. Observed: 1 variant allele.
Comment: BP4

Ambry Genetics
Classification: Uncertain significance for Primary ciliary dyskinesia. Last evaluated: 2022-07-02. Review status: criteria provided, single submitter. Criteria: Ambry Variant Classification Scheme 2023. Collection method: clinical testing. Allele origin: germline.
Comment: The p.I3623V variant (also known as c.10867A>G), located in coding exon 66 of the DNAH11 gene, results from an A to G substitution at nucleotide position 10867. The isoleucine at codon 3623 is replaced by valine, an amino acid with highly similar properties. This amino acid position is conserved. In addition, this alteration is predicted to be tolerated by in silico analysis. Since supporting evidence is limited at this time, the clinical significance of this alteration remains unclear.